The following is an entry in ClinVar:

NM_001035.3(RYR2):c.9126A>C (p.Ala3042=)

Gene: RYR2 (ryanodine receptor 2; plus strand). Cytogenetic location: 1q43.
Variant type: single nucleotide variant.
Coding change: c.9126A>C on transcript NM_001035.3 (MANE Select); coding-DNA position 9126, A replaced by C.
Protein change: p.Ala3042=; no amino-acid change (alanine 3042 retained).
Molecular consequence: synonymous variant.
Genome position (GRCh38, 1-based): chr1:237,699,023, A>C. VCF-style: chr1-237699023-A-C. GRCh37 (hg19) VCF-style: chr1-237862323-A-C.
Identifiers: ClinVar variation 3385812 (VCV003385812.1).

ClinVar aggregate classification (germline): Likely benign (1 of 4 stars; one submission).

Conditions:
Catecholaminergic polymorphic ventricular tachycardia (CVPT). Also called: Catecholamine-induced polymorphic ventricular tachycardia. Identifiers: Orphanet 3286, MedGen C5574922, MONDO:0017990.

gnomAD v4.1: 1 of 1,474,884 alleles (0.000068%); highest among the groups gnomAD compares: South Asian, 0.0012%; no homozygotes.

Submission:

All of Us Research Program, National Institutes of Health
Classification: Likely benign for Catecholaminergic polymorphic ventricular tachycardia. Last evaluated: 2024-04-16. Review status: criteria provided, single submitter. Criteria: ACMG Guidelines, 2015. Collection method: clinical testing. Allele origin: germline. Inheritance: Autosomal dominant inheritance. Observed: 1 variant allele, 1 heterozygote.
Comment: This study involves interpretation of variants in research participants for the purpose of population health screening. Participant phenotype was not available at the time of variant classification. Additional details can be found in publication PMID: 35346344, PMCID: PMC8962531